The following is an entry in ClinVar:

NM_001009944.3(PKD1):c.437G>C (p.Arg146Pro)

Gene: PKD1 (polycystin 1, transient receptor potential channel interacting; minus strand). Cytogenetic location: 16p13.3.
Variant type: single nucleotide variant.
Coding change: c.437G>C on transcript NM_001009944.3 (MANE Select); coding-DNA position 437, G replaced by C.
Protein change: p.Arg146Pro; replaces arginine 146 with proline.
Molecular consequence: missense variant.
Genome position (GRCh38, 1-based): chr16:2,118,768, C>G on the plus strand (G>C on the coding strand, the complement: PKD1 is on the minus strand). VCF-style: chr16-2118768-C-G. GRCh37 (hg19) VCF-style: chr16-2168769-C-G.
Other names: c.437G>C, p.Arg146Pro (NM_000296.4); short protein forms R146P.
Identifiers: ClinVar variation 3368047 (VCV003368047.2).
Genomic context (GRCh38, chr16:2,118,768, plus strand): 5'-AGAGGCTGGCCAGCCAGGGAGCCAGGCCCAGCACACGTGGCTGCCTCGGGCTGCACCACC[C>G]GCACCTGCTGCTCCTCCGCCCATCGCGGCAGCCACGCCAGGCCACAGTCACACTCAAACG-3'
Protein context (NP_001009944.3, residues 136-156): LPRWAEEQQV[Arg146Pro]VVQPEAATCA

ClinVar aggregate classification (germline): Uncertain significance. Review status: criteria provided, multiple submitters, no conflicts (2 of 4 stars). 2 submissions from 2 submitters: Uncertain significance (2). Last evaluated 2024-04-23.

Conditions:
Polycystic kidney disease, adult type (PKD1). Also called: Polycystic Kidney, Autosomal Dominant; POLYCYSTIC KIDNEY DISEASE 1 WITH OR WITHOUT POLYCYSTIC LIVER DISEASE; POLYCYSTIC KIDNEY DISEASE, ADULT, TYPE I; Polycystic Kidney Disease 1, Autosomal Dominant; Polycystic kidney disease 1; Polycystic kidney disease 1, severe. Identifiers: MedGen C3149841, MONDO:0008263, OMIM 173900.

Submissions (2):

Fulgent Genetics
Classification: Uncertain significance for Polycystic kidney disease, adult type. Last evaluated: 2024-04-23. Review status: criteria provided, single submitter. Criteria: ACMG Guidelines, 2015. Collection method: clinical testing. Allele origin: germline.

GeneDx
Classification: Uncertain significance. Last evaluated: 2024-01-23. Review status: criteria provided, single submitter. Criteria: GeneDx Variant Classification Process June 2021. Collection method: clinical testing. Allele origin: germline. Affected: yes.
Comment: Not observed at significant frequency in large population cohorts (gnomAD); In silico analysis supports that this missense variant does not alter protein structure/function; Has not been previously published as pathogenic or benign to our knowledge